The following is an entry in ClinVar:

NM_001384732.1(CPLANE1):c.628T>G (p.Leu210Val)

Gene: CPLANE1 (ciliogenesis and planar polarity effector complex subunit 1; minus strand). Cytogenetic location: 5p13.2.
Variant type: single nucleotide variant.
Coding change: c.628T>G on transcript NM_001384732.1 (MANE Select); coding-DNA position 628, T replaced by G.
Protein change: p.Leu210Val; replaces leucine 210 with valine.
Molecular consequence: missense variant.
Genome position (GRCh38, 1-based): chr5:37,243,062, A>C on the plus strand (T>G on the coding strand, the complement: CPLANE1 is on the minus strand). VCF-style: chr5-37243062-A-C. GRCh37 (hg19) VCF-style: chr5-37243164-A-C.
Other names: c.628T>G, p.Leu210Val (NM_023073.4); c.628T>G (NM_023073.3); short protein forms L210V.
Identifiers: ClinVar variation 2199668 (VCV002199668.3), dbSNP rs372873088, ClinGen allele CA117068089.
Genomic context (GRCh38, chr5:37,243,062, plus strand): 5'-ATTTACCTCACCTTACAGATGTAAATACATTCTCATGCCACCGAATTGCTAGAAATGTTA[A>C]CTTCAGGCATTCCCCAGAATAAAAAGTAAATGAACACAGGCAGCAGTCTCCAAATAACTG-3'
Protein context (NP_001371661.1, residues 200-220): FTFYSGECLK[Leu210Val]TFLAIRWHEN

ClinVar aggregate classification (germline): Uncertain significance. Review status: criteria provided, multiple submitters, no conflicts (2 of 4 stars). 2 submissions from 2 submitters: Uncertain significance (2). Last evaluated 2024-12-24.

Conditions:
Orofaciodigital syndrome type 6 (OFD6). Also called: OROFACIODIGITAL SYNDROME VI; OFDS VI; POLYDACTYLY, CLEFT LIP/PALATE OR LINGUAL LUMP, AND PSYCHOMOTOR RETARDATION; VARADI SYNDROME; VARADI-PAPP SYNDROME; Oral-facial-digital syndrome type 6. Identifiers: Orphanet 2754, MedGen C2745997, MONDO:0010176, OMIM 277170.
Joubert syndrome 17 (JBTS17). Identifiers: Orphanet 475, MedGen C3553264, MONDO:0013824, OMIM 614615.

Allele frequency attached by ClinVar (database versions not stated): gnomAD exomes below 0.00001; TOPMed 0.00006; gnomAD 0.00007.
gnomAD v4.1: 22 of 1,548,778 alleles (0.0014%); highest among the groups gnomAD compares: African/African-American, 0.022%; no homozygotes.

Submissions (2):

Labcorp Genetics (formerly Invitae), Labcorp
Classification: Uncertain significance. Last evaluated: 2024-12-24. Review status: criteria provided, single submitter. Criteria: Invitae Variant Classification Sherloc (09022015). Collection method: clinical testing. Allele origin: germline.
Comment: This sequence change replaces leucine, which is neutral and non-polar, with valine, which is neutral and non-polar, at codon 210 of the CPLANE1 protein (p.Leu210Val). This variant is present in population databases (rs372873088, gnomAD 0.05%). This variant has not been reported in the literature in individuals affected with CPLANE1-related conditions. ClinVar contains an entry for this variant (Variation ID: 2199668). Invitae Evidence Modeling of protein sequence and biophysical properties (such as structural, functional, and spatial information, amino acid conservation, physicochemical variation, residue mobility, and thermodynamic stability) indicates that this missense variant is not expected to disrupt CPLANE1 protein function with a negative predictive value of 95%. In summary, the available evidence is currently insufficient to determine the role of this variant in disease. Therefore, it has been classified as a Variant of Uncertain Significance.

Fulgent Genetics
Classification: Uncertain significance for Orofaciodigital syndrome type 6; Joubert syndrome 17. Last evaluated: 2024-02-23. Review status: criteria provided, single submitter. Criteria: ACMG Guidelines, 2015. Collection method: clinical testing. Allele origin: germline.